The following is an entry in ClinVar:

NM_005219.5(DIAPH1):c.544A>G (p.Thr182Ala)

Gene: DIAPH1 (diaphanous related formin 1; minus strand). Cytogenetic location: 5q31.3.
Variant type: single nucleotide variant.
Coding change: c.544A>G on transcript NM_005219.5 (MANE Select); coding-DNA position 544, A replaced by G.
Protein change: p.Thr182Ala; replaces threonine 182 with alanine.
Molecular consequence: missense variant.
Genome position (GRCh38, 1-based): chr5:141,583,282, T>C on the plus strand (A>G on the coding strand, the complement: DIAPH1 is on the minus strand). VCF-style: chr5-141583282-T-C. GRCh37 (hg19) VCF-style: chr5-140962849-T-C.
Other names: c.517A>G, p.Thr173Ala (NM_001079812.3); c.544A>G, p.Thr182Ala (NM_001314007.2); short protein forms T182A, T173A.
Identifiers: ClinVar variation 1478106 (VCV001478106.8), dbSNP rs2099897043, ClinGen allele CA361541106.

ClinVar aggregate classification (germline): Uncertain significance (1 of 4 stars; one submission).

Conditions:
Autosomal dominant nonsyndromic hearing loss 1. Also called: DEAFNESS, AUTOSOMAL DOMINANT 1, WITH OR WITHOUT THROMBOCYTOPENIA; KONIGSMARK SYNDROME. Identifiers: Orphanet 90635, MedGen C1852282, MONDO:0007424, OMIM 124900.
Progressive microcephaly-seizures-cortical blindness-developmental delay syndrome. Also called: Seizures, cortical blindness, and microcephaly syndrome. Identifiers: Orphanet 477814, MedGen C5567650, MONDO:0014714, OMIM 616632.

Allele frequency attached by ClinVar (database versions not stated): gnomAD exomes below 0.00001.
gnomAD v4.1: 1 of 1,614,206 alleles (0.000062%); highest among the groups gnomAD compares: East Asian, 0.0022%; no homozygotes.

Submission:

Labcorp Genetics (formerly Invitae), Labcorp
Classification: Uncertain significance for Progressive microcephaly-seizures-cortical blindness-developmental delay syndrome; Autosomal dominant nonsyndromic hearing loss 1. Last evaluated: 2022-09-19. Review status: criteria provided, single submitter. Criteria: Invitae Variant Classification Sherloc (09022015). Collection method: clinical testing. Allele origin: germline.
Comment: Algorithms developed to predict the effect of missense changes on protein structure and function are either unavailable or do not agree on the potential impact of this missense change (SIFT: "Tolerated"; PolyPhen-2: "Not Available"; Align-GVGD: "Class C0"). ClinVar contains an entry for this variant (Variation ID: 1478106). This variant has not been reported in the literature in individuals affected with DIAPH1-related conditions. This variant is not present in population databases (gnomAD no frequency). This sequence change replaces threonine, which is neutral and polar, with alanine, which is neutral and non-polar, at codon 182 of the DIAPH1 protein (p.Thr182Ala). In summary, the available evidence is currently insufficient to determine the role of this variant in disease. Therefore, it has been classified as a Variant of Uncertain Significance.